The following is an entry in ClinVar:

ClinVar aggregate classification (germline): Uncertain significance (1 of 4 stars; one submission).

Allele frequency attached by ClinVar (database versions not stated): TOPMed 0.00001; gnomAD exomes 0.00002; gnomAD 0.00003.
gnomAD v4.1: 27 of 1,594,752 alleles (0.0017%); highest among the groups gnomAD compares: Non-Finnish European, 0.0022%; no homozygotes.

Submission:

Labcorp Genetics (formerly Invitae), Labcorp
Classification: Uncertain significance. Last evaluated: 2021-05-03. Review status: criteria provided, single submitter. Criteria: Invitae Variant Classification Sherloc (09022015). Collection method: clinical testing. Allele origin: germline.
Comment: Experimental studies and prediction algorithms are not available or were not evaluated, and the functional significance of this variant is currently unknown. This variant has not been reported in the literature in individuals with HTT-related conditions. This variant is not present in population databases (ExAC no frequency). This sequence change replaces histidine with arginine at codon 2305 of the HTT protein (p.His2305Arg). The histidine residue is moderately conserved and there is a small physicochemical difference between histidine and arginine. In summary, the available evidence is currently insufficient to determine the role of this variant in disease. Therefore, it has been classified as a Variant of Uncertain Significance.

NM_001388492.1(HTT):c.6908A>G (p.His2303Arg)

Gene: HTT (huntingtin; plus strand). Cytogenetic location: 4p16.3.
Variant type: single nucleotide variant.
Coding change: c.6908A>G on transcript NM_001388492.1 (MANE Select); coding-DNA position 6908, A replaced by G.
Protein change: p.His2303Arg; replaces histidine 2303 with arginine.
Molecular consequence: missense variant.
Genome position (GRCh38, 1-based): chr4:3,214,091, A>G. VCF-style: chr4-3214091-A-G. GRCh37 (hg19) VCF-style: chr4-3215818-A-G.
Other names: c.6914A>G, p.His2305Arg (NM_002111.8); short protein forms H2303R, H2305R.
Identifiers: ClinVar variation 1519544 (VCV001519544.6), dbSNP rs1390498946, ClinGen allele CA356093499.